The following is an entry in ClinVar:

NM_000153.4(GALC):c.537dup (p.Val180fs)

Gene: GALC (galactosylceramidase; minus strand). Cytogenetic location: 14q31.3.
Variant type: Duplication.
Coding change: c.537dup on transcript NM_000153.4 (MANE Select); coding-DNA position 537, one base duplicated (T; older notation c.537dupT).
Protein change: p.Val180fs; shifts the reading frame from valine 180.
Molecular consequence: frameshift variant. On other transcripts: 5 prime UTR variant (2), non-coding transcript variant (1).
Genome position (GRCh38, 1-based): chr14:87,984,439, A duplicated on the plus strand (T on the coding strand, the reverse complement: GALC is on the minus strand); the first of 2 consecutive A bases (chr14:87,984,439-87,984,440); duplicating either gives the same sequence. VCF-style (leftmost placement, unchanged base first): chr14-87984438-C-CA. GRCh37 (hg19) VCF-style: chr14-88450782-C-CA.
Other names: c.468dup, p.Val157fs (NM_001201401.2); c.459dup, p.Val154fs (NM_001201402.2); c.369dup, p.Val124fs (NM_001424071.1, NM_001424072.1, NM_001424073.1); c.189dup, p.Val64fs (NM_001424074.1, NM_001424075.1); c.-131dup (NM_001424076.1, NM_001424077.1); short protein forms V124fs, V154fs, V157fs, V180fs, V64fs.
Identifiers: ClinVar variation 5013325 (VCV005013325.1).

ClinVar aggregate classification (germline): Pathogenic (1 of 4 stars; one submission).

Conditions:
Galactosylceramide beta-galactosidase deficiency. Also called: GALACTOCEREBROSIDASE DEFICIENCY; GALC DEFICIENCY; GLOBOID CELL LEUKOENCEPHALOPATHY; Leukodystrophy, Globoid Cell; Krabbe Disease. Identifiers: Orphanet 487, MedGen C0023521, MONDO:0009499, OMIM 245200.

Submission:

Myriad Genetics, Inc.
Classification: Pathogenic for Galactosylceramide beta-galactosidase deficiency. Last evaluated: 2024-07-17. Review status: criteria provided, single submitter. Criteria: Myriad Autosomal Dominant, Autosomal Recessive and X-Linked Classification Criteria (2023). Collection method: clinical testing. Allele origin: unknown.
Comment: NM_000153.3(GALC):c.537dupT(V180Cfs*8) is expected to be pathogenic in the context of Krabbe disease. This variant is predicted to lead to an abnormal or absent protein product due to the creation of a premature termination codon in GALC, a gene where loss-of-function variants are known to be pathogenic. Please note: this variant was assessed in the context of healthy population screening.